The following is an entry in ClinVar:

ClinVar aggregate classification (germline): Uncertain significance (1 of 4 stars; one submission).

Conditions:
Charcot-Marie-Tooth disease type 2. Also called: Charcot-Marie-Tooth type 2. Identifiers: Orphanet 64746, MedGen C0270914, MONDO:0018993.

Submission:

Labcorp Genetics (formerly Invitae), Labcorp
Classification: Uncertain significance for Charcot-Marie-Tooth disease type 2. Last evaluated: 2025-12-05. Review status: criteria provided, single submitter. Criteria: Invitae Variant Classification Sherloc (09022015). Collection method: clinical testing. Allele origin: germline.
Comment: This sequence change replaces valine, which is neutral and non-polar, with glycine, which is neutral and non-polar, at codon 406 of the KIF1B protein (p.Val406Gly). This variant is not present in population databases (gnomAD no frequency). This variant has not been reported in the literature in individuals affected with KIF1B-related conditions. An algorithm developed to predict the effect of missense changes on protein structure and function (PolyPhen-2) suggests that this variant is likely to be tolerated. In summary, the available evidence is currently insufficient to determine the role of this variant in disease. Therefore, it has been classified as a Variant of Uncertain Significance.

NM_001365951.3(KIF1B):c.1355T>G (p.Val452Gly)

Gene: KIF1B (kinesin family member 1B; plus strand). Cytogenetic location: 1p36.22.
Variant type: single nucleotide variant.
Coding change: c.1355T>G on transcript NM_001365951.3 (MANE Select); coding-DNA position 1355, T replaced by G.
Protein change: p.Val452Gly; replaces valine 452 with glycine.
Molecular consequence: missense variant.
Genome position (GRCh38, 1-based): chr1:10,282,454, T>G. VCF-style: chr1-10282454-T-G. GRCh37 (hg19) VCF-style: chr1-10342512-T-G.
Other names: c.1355T>G, p.Val452Gly (NM_001365952.1); c.1217T>G, p.Val406Gly (NM_001365953.1, NM_015074.3, NM_183416.4); short protein forms V406G, V452G.
Identifiers: ClinVar variation 4740220 (VCV004740220.1).